The following is an entry in ClinVar:

NM_152866.3(MS4A1):c.626C>T (p.Ala209Val)

Gene: MS4A1 (membrane spanning 4-domains A1; plus strand). Cytogenetic location: 11q12.2.
Variant type: single nucleotide variant.
Coding change: c.626C>T on transcript NM_152866.3 (MANE Select); coding-DNA position 626, C replaced by T.
Protein change: p.Ala209Val; replaces alanine 209 with valine.
Molecular consequence: missense variant.
Genome position (GRCh38, 1-based): chr11:60,467,011, C>T. VCF-style: chr11-60467011-C-T. GRCh37 (hg19) VCF-style: chr11-60234484-C-T.
Other names: c.626C>T, p.Ala209Val (NM_021950.4, NM_152867.2); short protein forms A209V.
Identifiers: ClinVar variation 4767928 (VCV004767928.1).

ClinVar aggregate classification (germline): Uncertain significance (1 of 4 stars; one submission).

Submission:

Labcorp Genetics (formerly Invitae), Labcorp
Classification: Uncertain significance. Last evaluated: 2025-04-01. Review status: criteria provided, single submitter. Criteria: Invitae Variant Classification Sherloc (09022015). Collection method: clinical testing. Allele origin: germline.
Comment: This sequence change replaces alanine, which is neutral and non-polar, with valine, which is neutral and non-polar, at codon 209 of the MS4A1 protein (p.Ala209Val). This variant is not present in population databases (gnomAD no frequency). This variant has not been reported in the literature in individuals affected with MS4A1-related conditions. An algorithm developed to predict the effect of missense changes on protein structure and function (PolyPhen-2) suggests that this variant is likely to be disruptive. In summary, the available evidence is currently insufficient to determine the role of this variant in disease. Therefore, it has been classified as a Variant of Uncertain Significance.